The following is an entry in ClinVar:

ClinVar aggregate classification (germline): Conflicting classifications of pathogenicity. Review status: criteria provided, conflicting classifications (1 of 4 stars). 2 submissions from 2 submitters: Uncertain significance (1); Likely benign (1). Last evaluated 2025-12-21.

Allele frequency attached by ClinVar (database versions not stated): gnomAD 0.00001; TOPMed 0.00002; gnomAD exomes 0.00005 and 0.00007; ExAC 0.00007; ESP Exome Variant Server 0.00032.
gnomAD v4.1: 83 of 1,613,744 alleles (0.0051%); highest among the groups gnomAD compares: Non-Finnish European, 0.0064%; no homozygotes.

Submissions (2):

Labcorp Genetics (formerly Invitae), Labcorp
Classification: Uncertain significance. Last evaluated: 2025-12-21. Review status: criteria provided, single submitter. Criteria: Invitae Variant Classification Sherloc (09022015). Collection method: clinical testing. Allele origin: germline.
Comment: This sequence change replaces leucine, which is neutral and non-polar, with serine, which is neutral and polar, at codon 4 of the ACAN protein (p.Leu4Ser). This variant is present in population databases (rs202166561, gnomAD 0.02%). This variant has not been reported in the literature in individuals affected with ACAN-related conditions. ClinVar contains an entry for this variant (Variation ID: 1435331). Invitae Evidence Modeling of protein sequence and biophysical properties (such as structural, functional, and spatial information, amino acid conservation, physicochemical variation, residue mobility, and thermodynamic stability) indicates that this missense variant is not expected to disrupt ACAN protein function with a negative predictive value of 80%. In summary, the available evidence is currently insufficient to determine the role of this variant in disease. Therefore, it has been classified as a Variant of Uncertain Significance.

CeGaT Center for Human Genetics Tuebingen
Classification: Likely benign. Last evaluated: 2023-08-01. Review status: criteria provided, single submitter. Criteria: CeGaT Center For Human Genetics Tuebingen Variant Classification Criteria Version 2. Collection method: clinical testing. Allele origin: germline. Affected: yes. Observed: 1 variant allele.
Comment: ACAN: BP4

NM_001369268.1(ACAN):c.11T>C (p.Leu4Ser)

Gene: ACAN (aggrecan; plus strand). Cytogenetic location: 15q26.1.
Variant type: single nucleotide variant.
Coding change: c.11T>C on transcript NM_001369268.1 (MANE Select); coding-DNA position 11, T replaced by C.
Protein change: p.Leu4Ser; replaces leucine 4 with serine.
Molecular consequence: missense variant.
Genome position (GRCh38, 1-based): chr15:88,836,217, T>C. VCF-style: chr15-88836217-T-C. GRCh37 (hg19) VCF-style: chr15-89379448-T-C.
Other names: c.11T>C, p.Leu4Ser (NM_001135.4, NM_013227.4); short protein forms L4S.
Identifiers: ClinVar variation 1435331 (VCV001435331.29), dbSNP rs202166561, ClinGen allele CA7719112.
Genomic context (GRCh38, chr15:88,836,217, plus strand): 5'-TGCCTTCACTGTCTAAATAACGCCTCTGCCTCCCCTCTTCCAGGTGAACTATGACCACTT[T>C]ACTCTGGGTTTTCGTGACTCTGAGGGTCATCACTGCAGCTGTCACTGTAGAAACTTCAGG-3'
Protein context (NP_001356197.1, residues 1-14): MTT[Leu4Ser]LWVFVTLRVI